The following is an entry in ClinVar:

NM_001754.5(RUNX1):c.248C>T (p.Ala83Val)

Gene: RUNX1 (RUNX family transcription factor 1; minus strand). Cytogenetic location: 21q22.12.
Variant type: single nucleotide variant.
Coding change: c.248C>T on transcript NM_001754.5 (MANE Select); coding-DNA position 248, C replaced by T.
Protein change: p.Ala83Val; replaces alanine 83 with valine.
Molecular consequence: missense variant.
Genome position (GRCh38, 1-based): chr21:34,886,946, G>A on the plus strand (C>T on the coding strand, the complement: RUNX1 is on the minus strand). VCF-style: chr21-34886946-G-A. GRCh37 (hg19) VCF-style: chr21-36259243-G-A.
Other names: NM_001754.5(RUNX1):c.248C>T; p.Ala83Val; c.167C>T, p.Ala56Val (NM_001001890.3, NM_001122607.2); short protein forms A56V, A83V.
Identifiers: ClinVar variation 1898434 (VCV001898434.6), dbSNP rs2058000399, ClinGen allele CA410203806.

ClinVar aggregate classification (germline): Uncertain significance. Review status: reviewed by expert panel (3 of 4 stars). 2 submissions from 2 submitters: Uncertain significance (1). 1 of the submissions does not count toward it. Last evaluated 2024-10-29.

Conditions:
Hereditary thrombocytopenia and hematological cancer predisposition syndrome associated with RUNX1. Also called: Familial Platelet Disorder with Propensity to Acute Myelogenous Leukemia; Familial thrombocytopenia with propensity to acute myelogenous leukemia; PLATELET DISORDER, ASPIRIN-LIKE; RUNX1 Familial Platelet Disorder with Associated Myeloid Malignancies. Identifiers: Orphanet 71290, MedGen C1832388, MeSH C563324, MONDO:0100083, OMIM 601399.
Hereditary thrombocytopenia and hematologic cancer predisposition syndrome. Identifiers: Orphanet 71290, MedGen CN281654, MONDO:0011071.

Submissions (2):

ClinGen Myeloid Malignancy Variant Curation Expert Panel
Classification: Uncertain significance for Hereditary thrombocytopenia and hematologic cancer predisposition syndrome. Last evaluated: 2024-10-29. Review status: reviewed by expert panel. Criteria: ClinGen MyeloMalig ACMG Specifications v2. Collection method: curation. Allele origin: germline. Inheritance: Autosomal dominant inheritance.
Comment: NM_001754.5(RUNX1):c.248C>T (p.Ala83Val) is a missense variant which is completely absent from all population databases with at least 20x coverage for RUNX1 (PM2_Supporting). In summary, the clinical significance of this variant is uncertain. ACMG/AMP criteria applied, as specified by the Myeloid Malignancy Variant Curation Expert Panel for RUNX1: PM2_supporting.

Labcorp Genetics (formerly Invitae), Labcorp
Classification: Uncertain significance for Hereditary thrombocytopenia and hematological cancer predisposition syndrome associated with RUNX1. Last evaluated: 2022-08-19. Review status: criteria provided, single submitter. Criteria: Invitae Variant Classification Sherloc (09022015). Collection method: clinical testing. Allele origin: germline. Not counted in ClinVar's aggregate classification.
Comment: In summary, the available evidence is currently insufficient to determine the role of this variant in disease. Therefore, it has been classified as a Variant of Uncertain Significance. Algorithms developed to predict the effect of missense changes on protein structure and function (SIFT, PolyPhen-2, Align-GVGD) all suggest that this variant is likely to be tolerated. This variant has not been reported in the literature in individuals affected with RUNX1-related conditions. This variant is not present in population databases (gnomAD no frequency). This sequence change replaces alanine, which is neutral and non-polar, with valine, which is neutral and non-polar, at codon 83 of the RUNX1 protein (p.Ala83Val).